The following is an entry in ClinVar:

ClinVar aggregate classification (germline): Uncertain significance (1 of 4 stars; one submission).

Conditions:
Developmental and epileptic encephalopathy, 1 (DEE1). Also called: OHTAHARA SYNDROME, X-LINKED; INFANTILE SPASM SYNDROME, X-LINKED 1; X-linked infantile spasms; West's syndrome; Tonic spasms with clustering, arrest of psychomotor development and hypsarrhythmia on EEG; X-Linked Infantile Spasm Syndrome. Identifiers: MedGen C3463992, MONDO:0010632, OMIM 308350. Disease mechanism: loss of function.
Intellectual disability, X-linked, with or without seizures, ARX-related. Also called: MENTAL RETARDATION, X-LINKED 29; MENTAL RETARDATION, X-LINKED 32; MENTAL RETARDATION, X-LINKED 33; MENTAL RETARDATION, X-LINKED 38; MENTAL RETARDATION, X-LINKED 43; MENTAL RETARDATION, X-LINKED 76. Identifiers: Orphanet 777, MedGen C0796244, MONDO:0010317, OMIM 300419.

Submission:

Labcorp Genetics (formerly Invitae), Labcorp
Classification: Uncertain significance for Developmental and epileptic encephalopathy, 1; Intellectual disability, X-linked, with or without seizures, ARX-related. Last evaluated: 2020-07-10. Review status: criteria provided, single submitter. Criteria: Invitae Variant Classification Sherloc (09022015). Collection method: clinical testing. Allele origin: germline.
Comment: In summary, the available evidence is currently insufficient to determine the role of this variant in disease. Therefore, it has been classified as a Variant of Uncertain Significance. Algorithms developed to predict the effect of missense changes on protein structure and function (SIFT, PolyPhen-2, Align-GVGD) all suggest that this variant is likely to be disruptive, but these predictions have not been confirmed by published functional studies and their clinical significance is uncertain. This variant has not been reported in the literature in individuals with ARX-related conditions. This variant is not present in population databases (ExAC no frequency). This sequence change replaces proline with leucine at codon 490 of the ARX protein (p.Pro490Leu). The proline residue is highly conserved and there is a moderate physicochemical difference between proline and leucine.

NM_139058.3(ARX):c.1469C>T (p.Pro490Leu)

Gene: ARX (aristaless related homeobox; minus strand). Cytogenetic location: Xp21.3.
Variant type: single nucleotide variant.
Coding change: c.1469C>T on transcript NM_139058.3 (MANE Select); coding-DNA position 1469, C replaced by T.
Protein change: p.Pro490Leu; replaces proline 490 with leucine.
Molecular consequence: missense variant.
Genome position (GRCh38, 1-based): chrX:25,004,890, G>A on the plus strand (C>T on the coding strand, the complement: ARX is on the minus strand). VCF-style: chrX-25004890-G-A. GRCh37 (hg19) VCF-style: chrX-25023007-G-A.
Other names: short protein forms P490L.
Identifiers: ClinVar variation 957133 (VCV000957133.10), dbSNP rs2048670837, ClinGen allele CA412610937.